The following is an entry in ClinVar:

ClinVar aggregate classification (germline): Uncertain significance (1 of 4 stars; one submission).

Conditions:
Alstrom syndrome (ALMS). Identifiers: Orphanet 64, MedGen C0268425, MONDO:0008763, OMIM 203800.

Allele frequency attached by ClinVar (database versions not stated): gnomAD exomes below 0.00001.
gnomAD v4.1: 1 of 1,601,856 alleles (0.000062%); highest among the groups gnomAD compares: East Asian, 0.0022%; no homozygotes.

Submission:

Labcorp Genetics (formerly Invitae), Labcorp
Classification: Uncertain significance for Alstrom syndrome. Last evaluated: 2021-07-09. Review status: criteria provided, single submitter. Criteria: Invitae Variant Classification Sherloc (09022015). Collection method: clinical testing. Allele origin: germline.
Comment: This sequence change replaces alanine with threonine at codon 408 of the ALMS1 protein (p.Ala408Thr). The alanine residue is weakly conserved and there is a small physicochemical difference between alanine and threonine. This variant is not present in population databases (ExAC no frequency). This variant has not been reported in the literature in individuals affected with ALMS1-related conditions. Experimental studies and prediction algorithms are not available or were not evaluated, and the functional significance of this variant is currently unknown. In summary, the available evidence is currently insufficient to determine the role of this variant in disease. Therefore, it has been classified as a Variant of Uncertain Significance.

NM_001378454.1(ALMS1):c.1219G>A (p.Ala407Thr)

Gene: ALMS1 (ALMS1 centrosome and basal body associated protein; plus strand). Cytogenetic location: 2p13.1.
Variant type: single nucleotide variant.
Coding change: c.1219G>A on transcript NM_001378454.1 (MANE Select); coding-DNA position 1219, G replaced by A.
Protein change: p.Ala407Thr; replaces alanine 407 with threonine.
Molecular consequence: missense variant.
Genome position (GRCh38, 1-based): chr2:73,424,884, G>A. VCF-style: chr2-73424884-G-A. GRCh37 (hg19) VCF-style: chr2-73652012-G-A.
Other names: c.1222G>A, p.Ala408Thr (NM_015120.4); short protein forms A407T, A408T.
Identifiers: ClinVar variation 1364652 (VCV001364652.3), dbSNP rs2103716227, ClinGen allele CA347261756.
Genomic context (GRCh38, chr2:73,424,884, plus strand): 5'-CATTTTGATGCTGCTCGTTCATATGGGCAGTATTGGACACAGGAAGATTCATCTAAGCAG[G>A]CAGAAACATATTTAACCAGTAAGTACCCTGATTCTTTTTCAGATTCATCTGACACAATTG-3'
Protein context (NP_001365383.1, residues 397-417): YWTQEDSSKQ[Ala407Thr]ETYLTKGLQG